The following is an entry in ClinVar:

ClinVar aggregate classification (germline): Conflicting classifications of pathogenicity. Review status: criteria provided, conflicting classifications (1 of 4 stars). 2 submissions from 2 submitters: Pathogenic (1); Uncertain significance (1). Last evaluated 2024-12-16.

Conditions:
Hereditary cancer-predisposing syndrome. Also called: Neoplastic Syndromes, Hereditary; Tumor predisposition; Hereditary neoplastic syndrome; Hereditary Cancer Syndrome. Identifiers: Orphanet 140162, MedGen C0027672, MeSH D009386, MONDO:0015356.

Submissions (2):

Ambry Genetics
Classification: Uncertain significance for Hereditary cancer-predisposing syndrome. Last evaluated: 2024-12-16. Review status: criteria provided, single submitter. Criteria: Ambry Variant Classification Scheme 2023. Collection method: clinical testing. Allele origin: germline.
Comment: The c.5336delC variant, located in coding exon 39 of the POLE gene, results from a deletion of one nucleotide at nucleotide position 5336, causing a translational frameshift with a predicted alternate stop codon (p.P1779Rfs*17). This alteration is expected to result in loss of function by premature protein truncation or nonsense-mediated mRNA decay. Loss-of-function variants subject to nonsense mediated decay (NMD) in POLE are known to cause POLE deficiency; however, such associations with POLE-related polymerase proofreading-associated polyposis (PPAP) have not been reported. Based on the supporting evidence, this alteration is pathogenic for POLE deficiency; however, the association of this alteration with POLE-related PPAP is unknown.

Labcorp Genetics (formerly Invitae), Labcorp
Classification: Pathogenic. Last evaluated: 2024-06-26. Review status: criteria provided, single submitter. Criteria: Invitae Variant Classification Sherloc (09022015). Collection method: clinical testing. Allele origin: germline.
Comment: This sequence change creates a premature translational stop signal (p.Pro1779Argfs*17) in the POLE gene. It is expected to result in an absent or disrupted protein product. Loss-of-function variants in POLE are known to be pathogenic (PMID: 23230001, 25948378, 30503519). This variant is not present in population databases (gnomAD no frequency). This premature translational stop signal has been observed in individual(s) with glioblastoma multiforme (PMID: 29625052). ClinVar contains an entry for this variant (Variation ID: 663208). For these reasons, this variant has been classified as Pathogenic.

Literature cited by the submitters: PubMed 23230001 (cited by Labcorp Genetics (formerly Invitae), Labcorp); PubMed 25948378 (cited by Labcorp Genetics (formerly Invitae), Labcorp); PubMed 30503519 (cited by Labcorp Genetics (formerly Invitae), Labcorp); PubMed 29625052 (cited by Labcorp Genetics (formerly Invitae), Labcorp).

NM_006231.4(POLE):c.5336del (p.Pro1779fs)

Gene: POLE (DNA polymerase epsilon, catalytic subunit; minus strand). Cytogenetic location: 12q24.33.
Variant type: Deletion.
Coding change: c.5336del on transcript NM_006231.4 (MANE Select); coding-DNA position 5336, one base deleted (C; older notation c.5336delC).
Protein change: p.Pro1779fs; shifts the reading frame from proline 1779.
Molecular consequence: frameshift variant.
Genome position (GRCh38, 1-based): chr12:132,641,689, G deleted on the plus strand (C on the coding strand, the reverse complement: POLE is on the minus strand); the first of 4 consecutive G bases (chr12:132,641,689-132,641,692); deleting any one gives the same sequence. VCF-style (leftmost placement, unchanged base first): chr12-132641688-CG-C. GRCh37 (hg19) VCF-style: chr12-133218274-CG-C.
Other names: c.5336delC (NM_006231.2, NM_006231.3); short protein forms P1779fs.
Identifiers: ClinVar variation 663208 (VCV000663208.7), dbSNP rs1593727501, ClinGen allele CA915946807.